The following is an entry in ClinVar:

NR_003137.3(RNU4-2):n.70T>C

Genes: RNU4-2 (RNA, U4 small nuclear 2; minus strand), SIRT4 (sirtuin 4; plus strand). Cytogenetic location: 12q24.23.
Variant type: single nucleotide variant.
Molecular consequence: non-coding transcript variant (on NR_003137.3).
Genome position: GRCh38 VCF-style: chr12-120291834-A-G. GRCh37 (hg19) VCF-style: chr12-120729637-A-G.
Identifiers: ClinVar variation 3766421 (VCV003766421.1).

ClinVar aggregate classification (germline): Likely pathogenic (1 of 4 stars; one submission).

Conditions:
Neurodevelopmental disorder with hypotonia, brain anomalies, distinctive facies, and absent language. Also called: RNU4-2-Related Neurodevelopmental Disorder; RNU4-2–Related Autosomal Dominant Neurodevelopmental Disorder; ReNU SYNDROME. Identifiers: Orphanet 686488, MedGen C5935628, MONDO:0971172, OMIM 620851.

Submission:

Institute for Human Genetics, University Hospital Essen
Classification: Likely pathogenic for Neurodevelopmental disorder with hypotonia, brain anomalies, distinctive facies, and absent language. Last evaluated: 2005-03-05. Review status: criteria provided, single submitter. Criteria: ACMG Guidelines, 2015. Collection method: clinical testing. Allele origin: de novo. Inheritance: Autosomal dominant inheritance. Affected: yes.
Comment: PM2_supp, PS2, PS3